The following is an entry in ClinVar:

ClinVar aggregate classification (germline): Uncertain significance (1 of 4 stars; one submission).

Submission:

Labcorp Genetics (formerly Invitae), Labcorp
Classification: Uncertain significance. Last evaluated: 2022-02-21. Review status: criteria provided, single submitter. Criteria: Invitae Variant Classification Sherloc (09022015). Collection method: clinical testing. Allele origin: germline.
Comment: In summary, the available evidence is currently insufficient to determine the role of this variant in disease. Therefore, it has been classified as a Variant of Uncertain Significance. ClinVar contains an entry for this variant (Variation ID: 866442). This variant has not been reported in the literature in individuals affected with RP1L1-related conditions. This variant is not present in population databases (gnomAD no frequency). This sequence change creates a premature translational stop signal (p.Lys111Argfs*46) in the RP1L1 gene. It is expected to result in an absent or disrupted protein product. However, the current clinical and genetic evidence is not sufficient to establish whether loss-of-function variants in RP1L1 cause disease.

NM_178857.6(RP1L1):c.332del (p.Lys111fs)

Gene: RP1L1 (RP1 like 1). Cytogenetic location: 8p23.1.
Variant type: Deletion.
Coding change: c.332del on transcript NM_178857.6 (MANE Select); coding-DNA position 332, one base deleted.
Protein change: p.Lys111fs; shifts the reading frame from lysine 111.
Molecular consequence: frameshift variant.
Genome position: GRCh38 VCF-style: chr8-10622869-CT-C. GRCh37 (hg19) VCF-style: chr8-10480379-CT-C.
Other names: short protein forms K111fs.
Identifiers: ClinVar variation 866442 (VCV000866442.6), dbSNP rs1798088088, ClinGen allele CA916082972.